The following is an entry in ClinVar:

NM_001312673.2(PCYT1A):c.1003C>T (p.Arg335Ter)

Gene: PCYT1A (phosphate cytidylyltransferase 1A, choline; minus strand). Cytogenetic location: 3q29.
Variant type: single nucleotide variant.
Coding change: c.1003C>T on transcript NM_001312673.2 (MANE Select); coding-DNA position 1003, C replaced by T.
Protein change: p.Arg335Ter; replaces arginine 335 with a stop codon.
Molecular consequence: nonsense.
Genome position (GRCh38, 1-based): chr3:196,238,789, G>A on the plus strand (C>T on the coding strand, the complement: PCYT1A is on the minus strand). VCF-style: chr3-196238789-G-A. GRCh37 (hg19) VCF-style: chr3-195965660-G-A.
Other names: c.1003C>T, p.Arg335Ter (NM_005017.4); short protein forms R335*.
Identifiers: ClinVar variation 1504930 (VCV001504930.9), dbSNP rs551199725, ClinGen allele CA90849822.
Genomic context (GRCh38, chr3:196,238,789, plus strand): 5'-TGTGCCTGGAGAGATTTGCTGGGGAGCAAGGTGGGGAAGTCTTGCCGGAGAAGGGCCATC[G>A]GAAAGAGGGGGAGGGGGAGCGCTCGCGAGTAGGGCTGCTGCTGGGGCTCTGCTTCGGGCT-3'

ClinVar aggregate classification (germline): Uncertain significance. Review status: criteria provided, multiple submitters, no conflicts (2 of 4 stars). 2 submissions from 2 submitters: Uncertain significance (2). Last evaluated 2023-08-09.

Allele frequency attached by ClinVar (database versions not stated): gnomAD 0.00001; gnomAD exomes 0.00001; TOPMed 0.00002.

Submissions (2):

Blueprint Genetics
Classification: Uncertain significance. Last evaluated: 2023-08-09. Review status: criteria provided, single submitter. Criteria: ACMG Guidelines, 2015. Collection method: clinical testing. Allele origin: germline.

Labcorp Genetics (formerly Invitae), Labcorp
Classification: Uncertain significance. Last evaluated: 2021-04-27. Review status: criteria provided, single submitter. Criteria: Invitae Variant Classification Sherloc (09022015). Collection method: clinical testing. Allele origin: germline.
Comment: In summary, the available evidence is currently insufficient to determine the role of this variant in disease. Therefore, it has been classified as a Variant of Uncertain Significance. Experimental studies and prediction algorithms are not available or were not evaluated, and the functional significance of this variant is currently unknown. This variant has not been reported in the literature in individuals with PCYT1A-related conditions. This variant is not present in population databases (ExAC no frequency). This sequence change creates a premature translational stop signal (p.Arg335*) in the PCYT1A gene. While this is not anticipated to result in nonsense mediated decay, it is expected to disrupt the last 33 amino acid(s) of the PCYT1A protein.